The following is an entry in ClinVar:

ClinVar aggregate classification (germline): Uncertain significance. Review status: criteria provided, multiple submitters, no conflicts (2 of 4 stars). 4 submissions from 4 submitters: Uncertain significance (4). Last evaluated 2026-04-02.

Conditions:
Developmental and epileptic encephalopathy, 23 (DEE23). Also called: Epileptic encephalopathy, early infantile, 23. Identifiers: Orphanet 411986, MedGen C4014492, MONDO:0014371, OMIM 615859.
Inborn genetic diseases. Identifiers: MedGen C0950123, MeSH D030342.

Allele frequency attached by ClinVar (database versions not stated): gnomAD 0.00006; gnomAD exomes 0.00004 and 0.00008; TOPMed 0.00004; ExAC 0.00003; ESP Exome Variant Server 0.00008; 1000 Genomes Project 30x 0.00016; 1000 Genomes Project 0.00020.
gnomAD v4.1: 129 of 1,606,804 alleles (0.008%); highest among the groups gnomAD compares: Admixed American, 0.026%; no homozygotes.

Submissions (4):

GeneDx
Classification: Uncertain significance. Last evaluated: 2026-04-02. Review status: criteria provided, single submitter. Criteria: GeneDx Variant Classification Process June 2021. Collection method: clinical testing. Allele origin: germline.
Comment: Not observed at significant frequency in large population cohorts (gnomAD); In silico analysis suggests that this missense variant does not alter protein structure/function; Has not been previously published as pathogenic or benign to our knowledge

Ambry Genetics
Classification: Uncertain significance for Inborn genetic diseases. Last evaluated: 2025-04-10. Review status: criteria provided, single submitter. Criteria: Ambry Variant Classification Scheme 2023. Collection method: clinical testing. Allele origin: germline.

Genome-Nilou Lab
Classification: Uncertain significance for Developmental and epileptic encephalopathy, 23. Last evaluated: 2023-04-11. Review status: criteria provided, single submitter. Criteria: ACMG Guidelines, 2015. Collection method: clinical testing. Allele origin: germline. Affected: no.

Labcorp Genetics (formerly Invitae), Labcorp
Classification: Uncertain significance for Developmental and epileptic encephalopathy, 23. Last evaluated: 2022-10-13. Review status: criteria provided, single submitter. Criteria: Invitae Variant Classification Sherloc (09022015). Collection method: clinical testing. Allele origin: germline.
Comment: This sequence change replaces valine, which is neutral and non-polar, with methionine, which is neutral and non-polar, at codon 49 of the DOCK7 protein (p.Val49Met). This variant is present in population databases (rs374725632, gnomAD 0.008%). This variant has not been reported in the literature in individuals affected with DOCK7-related conditions. ClinVar contains an entry for this variant (Variation ID: 475127). Algorithms developed to predict the effect of missense changes on protein structure and function are either unavailable or do not agree on the potential impact of this missense change (SIFT: "Deleterious"; PolyPhen-2: "Possibly Damaging"; Align-GVGD: "Class C0"). In summary, the available evidence is currently insufficient to determine the role of this variant in disease. Therefore, it has been classified as a Variant of Uncertain Significance.

NM_001367561.1(DOCK7):c.145G>A (p.Val49Met)

Gene: DOCK7 (dedicator of cytokinesis 7; minus strand). Cytogenetic location: 1p31.3.
Variant type: single nucleotide variant.
Coding change: c.145G>A on transcript NM_001367561.1 (MANE Select); coding-DNA position 145, G replaced by A.
Protein change: p.Val49Met; replaces valine 49 with methionine.
Molecular consequence: missense variant.
Genome position (GRCh38, 1-based): chr1:62,654,159, C>T on the plus strand (G>A on the coding strand, the complement: DOCK7 is on the minus strand). VCF-style: chr1-62654159-C-T. GRCh37 (hg19) VCF-style: chr1-63119830-C-T.
Other names: c.145G>A, p.Val49Met (NM_001271999.2, NM_001272000.2, NM_001272001.2 and 3 more transcripts); c.145G>A (NM_033407.2); short protein forms V49M.
Identifiers: ClinVar variation 475127 (VCV000475127.11), dbSNP rs374725632, ClinGen allele CA887256.
Genomic context (GRCh38, chr1:62,654,159, plus strand): 5'-AAGGATGAGTAATGAGGTAATCTTCCAAATCCACTGGATCTACTGCTTCGGTAAGGGGCA[C>T]CTTTGTAAAAAGTTGGGATAAGAGATGGGTAGAAAACAAGAGGTGAATGTAATAATTTTA-3'
Protein context (NP_001354490.1, residues 39-59): IVGNISHHTT[Val49Met]PLTEAVDPVD